The following is an entry in ClinVar:

NM_005027.4(PIK3R2):c.343C>T (p.Pro115Ser)

Gene: PIK3R2 (phosphoinositide-3-kinase regulatory subunit 2; plus strand). Cytogenetic location: 19p13.11.
Variant type: single nucleotide variant.
Coding change: c.343C>T on transcript NM_005027.4 (MANE Select); coding-DNA position 343, C replaced by T.
Protein change: p.Pro115Ser; replaces proline 115 with serine.
Molecular consequence: missense variant. On other transcripts: non-coding transcript variant (2).
Genome position (GRCh38, 1-based): chr19:18,160,491, C>T. VCF-style: chr19-18160491-C-T. GRCh37 (hg19) VCF-style: chr19-18271301-C-T.
Other names: short protein forms P115S.
Identifiers: ClinVar variation 4802107 (VCV004802107.1).

ClinVar aggregate classification (germline): Uncertain significance (1 of 4 stars; one submission).

Conditions:
Megalencephaly-polymicrogyria-postaxial polydactyly-hydrocephalus syndrome. Also called: MEG-PMG-MEGACC SYNDROME; MPPH Syndrome. Identifiers: Orphanet 83473, MedGen C1863924, MONDO:0019375.

gnomAD v4.1: 1 of 1,613,670 alleles (0.000062%); highest among the groups gnomAD compares: Non-Finnish European, 0.000085%; no homozygotes.

Submission:

Labcorp Genetics (formerly Invitae), Labcorp
Classification: Uncertain significance for Megalencephaly-polymicrogyria-postaxial polydactyly-hydrocephalus syndrome. Last evaluated: 2025-07-06. Review status: criteria provided, single submitter. Criteria: Invitae Variant Classification Sherloc (09022015). Collection method: clinical testing. Allele origin: germline.
Comment: This sequence change replaces proline, which is neutral and non-polar, with serine, which is neutral and polar, at codon 115 of the PIK3R2 protein (p.Pro115Ser). This variant is not present in population databases (gnomAD no frequency). This variant has not been reported in the literature in individuals affected with PIK3R2-related conditions. Invitae Evidence Modeling of protein sequence and biophysical properties (such as structural, functional, and spatial information, amino acid conservation, physicochemical variation, residue mobility, and thermodynamic stability) indicates that this missense variant is not expected to disrupt PIK3R2 protein function with a negative predictive value of 95%. In summary, the available evidence is currently insufficient to determine the role of this variant in disease. Therefore, it has been classified as a Variant of Uncertain Significance.